The following is an entry in ClinVar:

ClinVar aggregate classification (germline): Uncertain significance (1 of 4 stars; one submission).

Conditions:
Charcot-Marie-Tooth disease axonal type 2O. Also called: CHARCOT-MARIE-TOOTH NEUROPATHY, AXONAL, TYPE 2O; CHARCOT-MARIE-TOOTH DISEASE, AXONAL, AUTOSOMAL DOMINANT, TYPE 2O; Charcot-Marie-Tooth Neuropathy Type 2O; Charcot-Marie-Tooth disease, axonal, type 20. Identifiers: Orphanet 284232, MedGen C3280220, MONDO:0013644, OMIM 614228.

gnomAD v4.1: 2 of 1,614,084 alleles (0.00012%); highest among the groups gnomAD compares: Non-Finnish European, 0.00017%; no homozygotes.

Submission:

Labcorp Genetics (formerly Invitae), Labcorp
Classification: Uncertain significance for Charcot-Marie-Tooth disease axonal type 2O. Last evaluated: 2024-10-10. Review status: criteria provided, single submitter. Criteria: Invitae Variant Classification Sherloc (09022015). Collection method: clinical testing. Allele origin: germline.
Comment: This sequence change replaces arginine, which is basic and polar, with cysteine, which is neutral and slightly polar, at codon 4615 of the DYNC1H1 protein (p.Arg4615Cys). This variant is present in population databases (no rsID available, gnomAD 0.0009%). This variant has not been reported in the literature in individuals affected with DYNC1H1-related conditions. Invitae Evidence Modeling of protein sequence and biophysical properties (such as structural, functional, and spatial information, amino acid conservation, physicochemical variation, residue mobility, and thermodynamic stability) has been performed for this missense variant. However, the output from this modeling did not meet the statistical confidence thresholds required to predict the impact of this variant on DYNC1H1 protein function. In summary, the available evidence is currently insufficient to determine the role of this variant in disease. Therefore, it has been classified as a Variant of Uncertain Significance.

NM_001376.5(DYNC1H1):c.13843C>T (p.Arg4615Cys)

Gene: DYNC1H1 (dynein cytoplasmic 1 heavy chain 1; plus strand). Cytogenetic location: 14q32.31.
Variant type: single nucleotide variant.
Coding change: c.13843C>T on transcript NM_001376.5 (MANE Select); coding-DNA position 13843, C replaced by T.
Protein change: p.Arg4615Cys; replaces arginine 4615 with cysteine.
Molecular consequence: missense variant.
Genome position (GRCh38, 1-based): chr14:102,050,465, C>T. VCF-style: chr14-102050465-C-T. GRCh37 (hg19) VCF-style: chr14-102516802-C-T.
Other names: short protein forms R4615C.
Identifiers: ClinVar variation 3684874 (VCV003684874.2).